The following is an entry in ClinVar:

ClinVar aggregate classification (germline): Uncertain significance. Review status: criteria provided, multiple submitters, no conflicts (2 of 4 stars). 2 submissions from 2 submitters: Uncertain significance (2). Last evaluated 2025-12-10.

Conditions:
Charcot-Marie-Tooth disease type 2. Also called: Charcot-Marie-Tooth type 2. Identifiers: Orphanet 64746, MedGen C0270914, MONDO:0018993.

gnomAD v4.1: 3 of 1,614,160 alleles (0.00019%); highest among the groups gnomAD compares: South Asian, 0.0022%; no homozygotes.

Submissions (2):

Labcorp Genetics (formerly Invitae), Labcorp
Classification: Uncertain significance for Charcot-Marie-Tooth disease type 2. Last evaluated: 2025-12-10. Review status: criteria provided, single submitter. Criteria: Invitae Variant Classification Sherloc (09022015). Collection method: clinical testing. Allele origin: germline.
Comment: This sequence change replaces threonine, which is neutral and polar, with arginine, which is basic and polar, at codon 777 of the KIF1B protein (p.Thr777Arg). This variant is not present in population databases (gnomAD no frequency). This variant has not been reported in the literature in individuals affected with KIF1B-related conditions. ClinVar contains an entry for this variant (Variation ID: 3288413). An algorithm developed to predict the effect of missense changes on protein structure and function (PolyPhen-2) suggests that this variant is likely to be disruptive. In summary, the available evidence is currently insufficient to determine the role of this variant in disease. Therefore, it has been classified as a Variant of Uncertain Significance.

Ambry Genetics
Classification: Uncertain significance. Last evaluated: 2024-04-04. Review status: criteria provided, single submitter. Criteria: Ambry Variant Classification Scheme 2023. Collection method: clinical testing. Allele origin: germline.
Comment: The p.T777R variant (also known as c.2330C>G), located in coding exon 22 of the KIF1B gene, results from a C to G substitution at nucleotide position 2330. The threonine at codon 777 is replaced by arginine, an amino acid with similar properties. This amino acid position is conserved. In addition, this alteration is predicted to be deleterious by in silico analysis. Based on the available evidence, the clinical significance of this variant remains unclear.

NM_001365951.3(KIF1B):c.2468C>G (p.Thr823Arg)

Gene: KIF1B (kinesin family member 1B; plus strand). Cytogenetic location: 1p36.22.
Variant type: single nucleotide variant.
Coding change: c.2468C>G on transcript NM_001365951.3 (MANE Select); coding-DNA position 2468, C replaced by G.
Protein change: p.Thr823Arg; replaces threonine 823 with arginine.
Molecular consequence: missense variant.
Genome position (GRCh38, 1-based): chr1:10,323,993, C>G. VCF-style: chr1-10323993-C-G. GRCh37 (hg19) VCF-style: chr1-10384051-C-G.
Other names: c.2468C>G, p.Thr823Arg (NM_001365952.1); c.2330C>G, p.Thr777Arg (NM_015074.3); short protein forms T823R, T777R.
Identifiers: ClinVar variation 3288413 (VCV003288413.2).